The following is an entry in ClinVar:

NM_024675.4(PALB2):c.117A>G (p.Gln39=)

Gene: PALB2 (partner and localizer of BRCA2; minus strand). Cytogenetic location: 16p12.2.
Variant type: single nucleotide variant.
Coding change: c.117A>G on transcript NM_024675.4 (MANE Select); coding-DNA position 117, A replaced by G.
Protein change: p.Gln39=; no amino-acid change (glutamine 39 retained).
Molecular consequence: synonymous variant.
Genome position (GRCh38, 1-based): chr16:23,637,944, T>C on the plus strand (A>G on the coding strand, the complement: PALB2 is on the minus strand). VCF-style: chr16-23637944-T-C. GRCh37 (hg19) VCF-style: chr16-23649265-T-C.
Identifiers: ClinVar variation 1022163 (VCV001022163.10), dbSNP rs1967104762, ClinGen allele CA494167800.

ClinVar aggregate classification (germline): Benign/Likely benign. Review status: criteria provided, multiple submitters, no conflicts (2 of 4 stars). 2 submissions from 2 submitters: Benign (1); Likely benign (1). Last evaluated 2025-01-09.

Conditions:
Familial cancer of breast. Also called: Hereditary breast cancer; BREAST CANCER, FAMILIAL; hereditary breast carcinoma. Identifiers: Orphanet 227535, MedGen C0346153, MONDO:0016419, OMIM 114480. Disease mechanism: loss of function.

Submissions (2):

Myriad Genetics, Inc.
Classification: Benign for Familial cancer of breast. Last evaluated: 2025-01-09. Review status: criteria provided, single submitter. Criteria: Myriad Autosomal Dominant, Autosomal Recessive and X-Linked Classification Criteria (2023). Collection method: clinical testing. Allele origin: unknown.
Comment: This variant is considered benign. This variant is a silent/synonymous amino acid change and it is not expected to impact splicing.

Labcorp Genetics (formerly Invitae), Labcorp
Classification: Likely benign for Familial cancer of breast. Last evaluated: 2024-02-17. Review status: criteria provided, single submitter. Criteria: Invitae Variant Classification Sherloc (09022015). Collection method: clinical testing. Allele origin: germline.